The following is an entry in ClinVar:

NM_000051.4(ATM):c.8475A>G (p.Gln2825=)

Genes: ATM (ATM serine/threonine kinase; plus strand), C11orf65 (chromosome 11 open reading frame 65; minus strand). Cytogenetic location: 11q22.3.
Variant type: single nucleotide variant.
Coding change: c.8475A>G on transcript NM_000051.4 (MANE Select); coding-DNA position 8475, A replaced by G.
Protein change: p.Gln2825=; no amino-acid change (glutamine 2825 retained).
Molecular consequence: synonymous variant. On other transcripts: intron variant (2).
Genome position (GRCh38, 1-based): chr11:108,345,799, A>G. VCF-style: chr11-108345799-A-G. GRCh37 (hg19) VCF-style: chr11-108216526-A-G.
Other names: c.8475A>G, p.Gln2825= (NM_001351834.2); c.641-36728T>C (NM_001330368.2); c.695-10507T>C (NM_001351110.2).
Identifiers: ClinVar variation 234234 (VCV000234234.35), dbSNP rs769656947, ClinGen allele CA6266372.

ClinVar aggregate classification (germline): Benign/Likely benign. Review status: criteria provided, multiple submitters, no conflicts (2 of 4 stars). 6 submissions from 6 submitters: Benign (1); Likely benign (5). Last evaluated 2026-01-13.

Conditions:
Hereditary cancer-predisposing syndrome. Also called: Neoplastic Syndromes, Hereditary; Hereditary neoplastic syndrome; Tumor predisposition; Hereditary Cancer Syndrome. Identifiers: Orphanet 140162, MedGen C0027672, MeSH D009386, MONDO:0015356.
Ataxia-telangiectasia syndrome (AT). Also called: Ataxia telangiectasia (A-T); Cerebello-oculocutaneous telangiectasia; Immunodeficiency with ataxia telangiectasia; LOUIS-BAR SYNDROME; AT, COMPLEMENTATION GROUP C; ATAXIA-TELANGIECTASIA, FRESNO VARIANT. Identifiers: Orphanet 100, MedGen C0004135, MONDO:0008840, OMIM 208900.
Familial cancer of breast. Also called: hereditary breast carcinoma; Hereditary breast cancer; BREAST CANCER, FAMILIAL. Identifiers: Orphanet 227535, MedGen C0346153, MONDO:0016419, OMIM 114480. Disease mechanism: loss of function.

Allele frequency attached by ClinVar (database versions not stated): gnomAD exomes below 0.00001; TOPMed below 0.00001; ExAC 0.00001.
gnomAD v4.1: 5 of 1,613,898 alleles (0.00031%); highest among the groups gnomAD compares: Non-Finnish European, 0.00042%; no homozygotes.

Submissions (6):

Labcorp Genetics (formerly Invitae), Labcorp
Classification: Likely benign for Ataxia-telangiectasia syndrome. Last evaluated: 2026-01-13. Review status: criteria provided, single submitter. Criteria: Invitae Variant Classification Sherloc (09022015). Collection method: clinical testing. Allele origin: germline.

Myriad Genetics, Inc.
Classification: Benign for Familial cancer of breast. Last evaluated: 2024-06-20. Review status: criteria provided, single submitter. Criteria: Myriad Autosomal Dominant, Autosomal Recessive and X-Linked Classification Criteria (2023). Collection method: clinical testing. Allele origin: unknown.
Comment: This variant is considered benign. This variant is a silent/synonymous amino acid change and it is not expected to impact splicing.

Blueprint Genetics
Classification: Likely benign. Last evaluated: 2024-05-22. Review status: criteria provided, single submitter. Criteria: ACMG Guidelines, 2015. Collection method: clinical testing. Allele origin: germline.

CeGaT Center for Human Genetics Tuebingen
Classification: Likely benign. Last evaluated: 2023-11-01. Review status: criteria provided, single submitter. Criteria: CeGaT Center For Human Genetics Tuebingen Variant Classification Criteria Version 2. Collection method: clinical testing. Allele origin: germline. Affected: yes. Observed: 1 variant allele.
Comment: ATM: BP4, BP7

Color Diagnostics, LLC DBA Color Health
Classification: Likely benign for Hereditary cancer-predisposing syndrome. Last evaluated: 2019-09-18. Review status: criteria provided, single submitter. Criteria: ACMG Guidelines, 2015. Collection method: clinical testing. Allele origin: germline.

Ambry Genetics
Classification: Likely benign for Hereditary cancer-predisposing syndrome. Last evaluated: 2015-10-12. Review status: criteria provided, single submitter. Criteria: Ambry Variant Classification Scheme 2023. Collection method: clinical testing. Allele origin: germline.